The following is an entry in ClinVar:

ClinVar aggregate classification (germline): Uncertain significance (1 of 4 stars; one submission).

Submission:

Ambry Genetics
Classification: Uncertain significance. Last evaluated: 2025-03-22. Review status: criteria provided, single submitter. Criteria: Ambry Variant Classification Scheme 2023. Collection method: clinical testing. Allele origin: germline.
Comment: The p.S302G variant (also known as c.904A>G), located in coding exon 1 of the MC1R gene, results from an A to G substitution at nucleotide position 904. The serine at codon 302 is replaced by glycine, an amino acid with similar properties. This amino acid position is conserved. In addition, the in silico prediction for this alteration is inconclusive. Based on the available evidence, the clinical significance of this variant remains unclear.

NM_002386.4(MC1R):c.904A>G (p.Ser302Gly)

Gene: MC1R (melanocortin 1 receptor; plus strand). Cytogenetic location: 16q24.3.
Variant type: single nucleotide variant.
Coding change: c.904A>G on transcript NM_002386.4 (MANE Select); coding-DNA position 904, A replaced by G.
Protein change: p.Ser302Gly; replaces serine 302 with glycine.
Molecular consequence: missense variant.
Genome position (GRCh38, 1-based): chr16:89,920,162, A>G. VCF-style: chr16-89920162-A-G. GRCh37 (hg19) VCF-style: chr16-89986570-A-G.
Other names: short protein forms S302G.
Identifiers: ClinVar variation 4052391 (VCV004052391.1).
Genomic context (GRCh38, chr16:89,920,162, plus strand): 5'-CTCTTTCTCGCCCTCATCATCTGCAATGCCATCATCGACCCCCTCATCTACGCCTTCCAC[A>G]GCCAGGAGCTCCGCAGGACGCTCAAGGAGGTGCTGACATGCTCCTGGTGAGCGCGGTGCA-3'
Protein context (NP_002377.4, residues 292-312): IIDPLIYAFH[Ser302Gly]QELRRTLKEV